The following is an entry in ClinVar:

NM_172107.4(KCNQ2):c.1057C>G (p.Arg353Gly)

Gene: KCNQ2 (potassium voltage-gated channel subfamily Q member 2; minus strand). Cytogenetic location: 20q13.33.
Variant type: single nucleotide variant.
Coding change: c.1057C>G on transcript NM_172107.4 (MANE Select); coding-DNA position 1057, C replaced by G.
Protein change: p.Arg353Gly; replaces arginine 353 with glycine.
Molecular consequence: missense variant.
Genome position (GRCh38, 1-based): chr20:63,433,870, G>C on the plus strand (C>G on the coding strand, the complement: KCNQ2 is on the minus strand). VCF-style: chr20-63433870-G-C. GRCh37 (hg19) VCF-style: chr20-62065223-G-C.
Other names: c.1057C>G, p.Arg353Gly (NM_004518.6, NM_172106.3, NM_172108.5 and 1 more transcripts); short protein forms R353G.
Identifiers: ClinVar variation 21756 (VCV000021756.6), dbSNP rs118192218, ClinGen allele CA342460.

ClinVar aggregate classification (germline): Pathogenic. Review status: criteria provided, single submitter (1 of 4 stars). 2 submissions from 2 submitters: Pathogenic (1). 1 of the submissions does not count toward it. Last evaluated 2022-01-22.

Conditions:
Early-infantile DEE. Also called: Early infantile epileptic encephalopathy with suppression bursts; Ohtahara syndrome; Early infantile epileptic encephalopathy. Identifiers: Orphanet 1934, MedGen C0393706, MONDO:0800491.
Seizures, benign familial neonatal, 1. Also called: Benign Neonatal Epilepsy 1; KCNQ2-Related Benign Familial Neonatal Epilepsy; KCNQ2-Related Self-Limited Familial Neonatal Epilepsy (SLFNE); Seizures, benign neonatal, 1. Identifiers: Orphanet 1949, MedGen C3149074, MONDO:0007365, OMIM 121200.

Submissions (2):

Labcorp Genetics (formerly Invitae), Labcorp
Classification: Pathogenic for Early-infantile DEE. Last evaluated: 2022-01-22. Review status: criteria provided, single submitter. Criteria: Invitae Variant Classification Sherloc (09022015). Collection method: clinical testing. Allele origin: germline.
Comment: This sequence change replaces arginine, which is basic and polar, with glycine, which is neutral and non-polar, at codon 353 of the KCNQ2 protein (p.Arg353Gly). This missense change has been observed in individual(s) with benign familial neonatal seizures (PMID: 14985406, 27888506). It has also been observed to segregate with disease in related individuals. This variant is not present in population databases (gnomAD no frequency). For these reasons, this variant has been classified as Pathogenic. This variant disrupts the p.Arg353 amino acid residue in KCNQ2. Other variant(s) that disrupt this residue have been determined to be pathogenic (PMID: 29726930). This suggests that this residue is clinically significant, and that variants that disrupt this residue are likely to be disease-causing. Experimental studies have shown that this missense change affects KCNQ2 function (PMID: 14985406, 17993630). Advanced modeling of protein sequence and biophysical properties (such as structural, functional, and spatial information, amino acid conservation, physicochemical variation, residue mobility, and thermodynamic stability) performed at Invitae indicates that this missense variant is expected to disrupt KCNQ2 protein function. ClinVar contains an entry for this variant (Variation ID: 21756).

GeneReviews
No classification provided. Condition: Seizures, benign familial neonatal, 1. Review status: no classification provided. Collection method: literature only. Allele origin: germline. Affected: yes. Not counted in ClinVar's aggregate classification.
Comment: BFNE (benign familial neonatal epilepsy)

Functional effect: Reduced interaction with CaM

Literature cited by the submitters: PubMed 14985406 (cited by Labcorp Genetics (formerly Invitae), Labcorp and GeneReviews); PubMed 27888506 (cited by Labcorp Genetics (formerly Invitae), Labcorp); PubMed 29726930 (cited by Labcorp Genetics (formerly Invitae), Labcorp); PubMed 17993630 (cited by Labcorp Genetics (formerly Invitae), Labcorp and GeneReviews); PubMed 25982755 (cited by GeneReviews); NCBI Bookshelf NBK32534 (cited by GeneReviews).